The following is an entry in ClinVar:

ClinVar aggregate classification (germline): Uncertain significance (1 of 4 stars; one submission).

gnomAD v4.1: 7 of 1,613,956 alleles (0.00043%); highest among the groups gnomAD compares: Non-Finnish European, 0.00059%; no homozygotes.

Submission:

Labcorp Genetics (formerly Invitae), Labcorp
Classification: Uncertain significance. Last evaluated: 2025-04-02. Review status: criteria provided, single submitter. Criteria: Invitae Variant Classification Sherloc (09022015). Collection method: clinical testing. Allele origin: germline.
Comment: This sequence change replaces isoleucine, which is neutral and non-polar, with valine, which is neutral and non-polar, at codon 876 of the CNOT1 protein (p.Ile876Val). This variant is not present in population databases (gnomAD no frequency). This variant has not been reported in the literature in individuals affected with CNOT1-related conditions. An algorithm developed to predict the effect of missense changes on protein structure and function (PolyPhen-2) suggests that this variant is likely to be tolerated. In summary, the available evidence is currently insufficient to determine the role of this variant in disease. Therefore, it has been classified as a Variant of Uncertain Significance.

NM_016284.5(CNOT1):c.2641A>G (p.Ile881Val)

Gene: CNOT1 (CCR4-NOT transcription complex subunit 1; minus strand). Cytogenetic location: 16q21.
Variant type: single nucleotide variant.
Coding change: c.2641A>G on transcript NM_016284.5 (MANE Select); coding-DNA position 2641, A replaced by G.
Protein change: p.Ile881Val; replaces isoleucine 881 with valine.
Molecular consequence: missense variant. On other transcripts: non-coding transcript variant (1).
Genome position (GRCh38, 1-based): chr16:58,555,501, T>C on the plus strand (A>G on the coding strand, the complement: CNOT1 is on the minus strand). VCF-style: chr16-58555501-T-C. GRCh37 (hg19) VCF-style: chr16-58589405-T-C.
Other names: c.2626A>G, p.Ile876Val (NM_001265612.2); c.2641A>G, p.Ile881Val (NM_206999.3); short protein forms I876V, I881V.
Identifiers: ClinVar variation 4761294 (VCV004761294.1).